The following is an entry in ClinVar:

ClinVar aggregate classification (germline): Uncertain significance (0 of 4 stars; one submission).

Conditions:
PLXNA3-related disorder. Also called: PLXNA3-related condition.

gnomAD v4.1: 13 of 1,209,835 alleles (0.0011%); highest among the groups gnomAD compares: Middle Eastern, 0.027%; no homozygotes.

Submission:

PreventionGenetics, part of Exact Sciences
Classification: Uncertain significance for PLXNA3-related condition. Last evaluated: 2024-05-27. Review status: no assertion criteria provided. Collection method: clinical testing. Allele origin: germline.
Comment: The PLXNA3 c.2207G>A variant is predicted to result in the amino acid substitution p.Arg736His. This variant was reported in an individual with Neurodevelopmental disorder, increased risk of (Table S11, search 153693524, Stessman et al 2017. PubMed ID: 28191889). This variant is reported in 0.0038% of alleles in individuals of European (Non-Finnish) descent in gnomAD. At this time, the clinical significance of this variant is uncertain due to the absence of conclusive functional and genetic evidence.

NM_017514.5(PLXNA3):c.2207G>A (p.Arg736His)

Gene: PLXNA3 (plexin A3; plus strand). Cytogenetic location: Xq28.
Variant type: single nucleotide variant.
Coding change: c.2207G>A on transcript NM_017514.5 (MANE Select); coding-DNA position 2207, G replaced by A.
Protein change: p.Arg736His; replaces arginine 736 with histidine.
Molecular consequence: missense variant.
Genome position (GRCh38, 1-based): chrX:154,465,181, G>A. VCF-style: chrX-154465181-G-A. GRCh37 (hg19) VCF-style: chrX-153693524-G-A.
Other names: short protein forms R736H.
Identifiers: ClinVar variation 3351935 (VCV003351935.1).
Genomic context (GRCh38, chrX:154,465,181, plus strand): 5'-AGAAGAACTATGAGTGCGTGGTGCGGGTGCAGGGGCGGCAGCAGCGGGTGCCTGCCGTGC[G>A]CTTCAACAGCAGCAGTGTGCAGTGCCAGAACGCCTCGGTGAGGTCCCACCCGCTGCCTCC-3'
Protein context (NP_059984.3, residues 726-746): QGRQQRVPAV[Arg736His]FNSSSVQCQN